The following is an entry in ClinVar:

NM_000320.3(QDPR):c.92G>C (p.Arg31Pro)

Genes: QDPR (quinoid dihydropteridine reductase; minus strand), LOC129992304 (ATAC-STARR-seq lymphoblastoid silent region 15310; plus strand). Cytogenetic location: 4p15.32.
Variant type: single nucleotide variant.
Coding change: c.92G>C on transcript NM_000320.3 (MANE Select); coding-DNA position 92, G replaced by C.
Protein change: p.Arg31Pro; replaces arginine 31 with proline.
Molecular consequence: missense variant. On other transcripts: non-coding transcript variant (1).
Genome position (GRCh38, 1-based): chr4:17,511,963, C>G on the plus strand (G>C on the coding strand, the complement: QDPR is on the minus strand). VCF-style: chr4-17511963-C-G. GRCh37 (hg19) VCF-style: chr4-17513586-C-G.
Other names: c.92G>C, p.Arg31Pro (NM_001306140.2); short protein forms R31P.
Identifiers: ClinVar variation 2759024 (VCV002759024.3), dbSNP rs765204282, ClinGen allele CA356454303.

ClinVar aggregate classification (germline): Uncertain significance (1 of 4 stars; one submission).

Conditions:
Dihydropteridine reductase deficiency (HPABH4C). Also called: BH4-Deficient Hyperphenylalaninemia C; HYPERPHENYLALANINEMIA, TETRAHYDROBIOPTERIN-DEFICIENT, DUE TO DHPR DEFICIENCY; QDPR DEFICIENCY; QUINOID DIHYDROPTERIDINE REDUCTASE DEFICIENCY; Phenylketonuria II; Hyperphenylalaninemia due to dihydropteridine reductase deficiency. Identifiers: Orphanet 226, Orphanet 238583, MedGen C0268465, MONDO:0009862, OMIM 261630.

Submission:

Labcorp Genetics (formerly Invitae), Labcorp
Classification: Uncertain significance for Dihydropteridine reductase deficiency. Last evaluated: 2025-08-04. Review status: criteria provided, single submitter. Criteria: Invitae Variant Classification Sherloc (09022015). Collection method: clinical testing. Allele origin: germline.
Comment: This sequence change replaces arginine, which is basic and polar, with proline, which is neutral and non-polar, at codon 31 of the QDPR protein (p.Arg31Pro). This variant is not present in population databases (gnomAD no frequency). This variant has not been reported in the literature in individuals affected with QDPR-related conditions. ClinVar contains an entry for this variant (Variation ID: 2759024). An algorithm developed to predict the effect of missense changes on protein structure and function (PolyPhen-2) suggests that this variant is likely to be disruptive. In summary, the available evidence is currently insufficient to determine the role of this variant in disease. Therefore, it has been classified as a Variant of Uncertain Significance.